The following is an entry in ClinVar:

ClinVar aggregate classification (germline): Pathogenic (1 of 4 stars; one submission).

Submission:

Labcorp Genetics (formerly Invitae), Labcorp
Classification: Pathogenic. Last evaluated: 2019-12-16. Review status: criteria provided, single submitter. Criteria: Invitae Variant Classification Sherloc (09022015). Collection method: clinical testing. Allele origin: germline.
Comment: This variant is an out-of-frame deletion of the genomic region encompassing exon 15 of the PHEX gene. This is expected to create a premature translational stop signal and result in an absent or disrupted protein product. This variant has been observed in individuals with clinical features of hypophosphatemia (Invitae). Loss-of-function variants in PHEX are known to be pathogenic (PMID: 9097956, 9106524, 19219621). For these reasons, this variant has been classified as Pathogenic.

NC_000023.11:g.(?_22190444)_(22190502_?)del

Gene: PHEX (phosphate regulating endopeptidase X-linked; plus strand). Cytogenetic location: Xp22.11.
Variant type: Deletion.
Identifiers: ClinVar variation 832638 (VCV000832638.1).